The following is an entry in ClinVar:

ClinVar aggregate classification (germline): Conflicting classifications of pathogenicity. Review status: criteria provided, conflicting classifications (1 of 4 stars). 3 submissions from 3 submitters: Uncertain significance (2); Likely benign (1). Last evaluated 2025-03-26.

Conditions:
Cardiovascular phenotype. Identifiers: MedGen CN230736.
Brugada syndrome. Also called: Sudden unexplained nocturnal death syndrome; Sudden unexpected nocturnal death syndrome; Sudden Unexplained Death Syndrome; Sudden Unexplained Nocturnal Death Syndrome (SUNDS). Identifiers: Orphanet 130, MedGen C1142166, MONDO:0015263.

Allele frequency attached by ClinVar (database versions not stated): gnomAD 0.00001; ExAC 0.00002; gnomAD exomes 0.00003; TOPMed 0.00004.
gnomAD v4.1: 15 of 1,614,060 alleles (0.00093%); highest among the groups gnomAD compares: Admixed American, 0.012%; no homozygotes.

Submissions (3):

Labcorp Genetics (formerly Invitae), Labcorp
Classification: Uncertain significance for Brugada syndrome. Last evaluated: 2025-03-26. Review status: criteria provided, single submitter. Criteria: Invitae Variant Classification Sherloc (09022015). Collection method: clinical testing. Allele origin: germline.
Comment: This sequence change replaces proline, which is neutral and non-polar, with leucine, which is neutral and non-polar, at codon 1683 of the SCN10A protein (p.Pro1683Leu). This variant is present in population databases (rs763674655, gnomAD 0.01%). This variant has not been reported in the literature in individuals affected with SCN10A-related conditions. ClinVar contains an entry for this variant (Variation ID: 1403604). Invitae Evidence Modeling of protein sequence and biophysical properties (such as structural, functional, and spatial information, amino acid conservation, physicochemical variation, residue mobility, and thermodynamic stability) indicates that this missense variant is not expected to disrupt SCN10A protein function with a negative predictive value of 80%. In summary, the available evidence is currently insufficient to determine the role of this variant in disease. Therefore, it has been classified as a Variant of Uncertain Significance.

Ambry Genetics
Classification: Likely benign for Cardiovascular phenotype. Last evaluated: 2025-02-07. Review status: criteria provided, single submitter. Criteria: Ambry Variant Classification Scheme 2023. Collection method: clinical testing. Allele origin: germline.

GeneDx
Classification: Uncertain significance. Last evaluated: 2023-06-13. Review status: criteria provided, single submitter. Criteria: GeneDx Variant Classification Process June 2021. Collection method: clinical testing. Allele origin: germline. Affected: yes.
Comment: Has not been previously published as pathogenic or benign to our knowledge; In silico analysis supports that this missense variant has a deleterious effect on protein structure/function

NM_006514.4(SCN10A):c.5048C>T (p.Pro1683Leu)

Gene: SCN10A (sodium voltage-gated channel alpha subunit 10; minus strand). Cytogenetic location: 3p22.2.
Variant type: single nucleotide variant.
Coding change: c.5048C>T on transcript NM_006514.4 (MANE Select); coding-DNA position 5048, C replaced by T.
Protein change: p.Pro1683Leu; replaces proline 1683 with leucine.
Molecular consequence: missense variant.
Genome position (GRCh38, 1-based): chr3:38,698,172, G>A on the plus strand (C>T on the coding strand, the complement: SCN10A is on the minus strand). VCF-style: chr3-38698172-G-A. GRCh37 (hg19) VCF-style: chr3-38739663-G-A.
Other names: c.5045C>T, p.Pro1682Leu (NM_001293306.2); c.4754C>T, p.Pro1585Leu (NM_001293307.2); c.5048C>T (NM_006514.2); short protein forms P1683L, P1682L, P1585L.
Identifiers: ClinVar variation 1403604 (VCV001403604.6), dbSNP rs763674655, ClinGen allele CA2319748.